The following is an entry in ClinVar:

ClinVar aggregate classification (germline): Uncertain significance (1 of 4 stars; one submission).

Submission:

GeneDx
Classification: Uncertain significance. Last evaluated: 2025-02-07. Review status: criteria provided, single submitter. Criteria: GeneDx Variant Classification Process June 2021. Collection method: clinical testing. Allele origin: germline. Affected: yes.
Comment: Not observed at significant frequency in large population cohorts (gnomAD); In silico analysis supports that this missense variant has a deleterious effect on protein structure/function; Has not been previously published as pathogenic or benign to our knowledge

NM_032217.5(ANKRD17):c.5791C>T (p.Pro1931Ser)

Gene: ANKRD17 (ankyrin repeat domain 17; minus strand). Cytogenetic location: 4q13.3.
Variant type: single nucleotide variant.
Coding change: c.5791C>T on transcript NM_032217.5 (MANE Select); coding-DNA position 5791, C replaced by T.
Protein change: p.Pro1931Ser; replaces proline 1931 with serine.
Molecular consequence: missense variant.
Genome position (GRCh38, 1-based): chr4:73,091,837, G>A on the plus strand (C>T on the coding strand, the complement: ANKRD17 is on the minus strand). VCF-style: chr4-73091837-G-A. GRCh37 (hg19) VCF-style: chr4-73957554-G-A.
Other names: c.5452C>T, p.Pro1818Ser (NM_001286771.3); c.5788C>T, p.Pro1930Ser (NM_015574.2); c.5038C>T, p.Pro1680Ser (NM_198889.3); short protein forms P1680S, P1818S, P1930S, P1931S.
Identifiers: ClinVar variation 4074543 (VCV004074543.1).